The following is an entry in ClinVar:

NM_001348323.3(TRIP12):c.334C>T (p.Arg112Ter)

Gene: TRIP12 (thyroid hormone receptor interactor 12; minus strand). Cytogenetic location: 2q36.3.
Variant type: single nucleotide variant.
Coding change: c.334C>T on transcript NM_001348323.3 (MANE Select); coding-DNA position 334, C replaced by T.
Protein change: p.Arg112Ter; replaces arginine 112 with a stop codon.
Molecular consequence: nonsense. On other transcripts: intron variant (1).
Genome position (GRCh38, 1-based): chr2:229,859,465, G>A on the plus strand (C>T on the coding strand, the complement: TRIP12 is on the minus strand). VCF-style: chr2-229859465-G-A. GRCh37 (hg19) VCF-style: chr2-230724181-G-A.
Other names: c.334C>T, p.Arg112Ter (NM_001284214.2, NM_001348315.2, NM_001348319.1 and 15 more transcripts); c.208C>T, p.Arg70Ter (NM_001284215.2, NM_001348316.2, NM_001348317.1 and 3 more transcripts); c.98+20517C>T (NM_001284216.2); short protein forms R112*, R70*.
Identifiers: ClinVar variation 2504746 (VCV002504746.1), dbSNP rs1252091439, ClinGen allele CA350899337.
Genomic context (GRCh38, chr2:229,859,465, plus strand): 5'-TTGCAGAGCTAGGAGAATTGGTCCTGTTGTAGTCTGGACTAGCACTGCGCTTCACTCCTC[G>A]AGAATTGTCTTTCTTAGGCACCTGCCCCGTTTTTTGTCTTTCTGAAGTATTGGCTCTGTC-3'

ClinVar aggregate classification (germline): Pathogenic (1 of 4 stars; one submission).

Submission:

GeneDx
Classification: Pathogenic. Last evaluated: 2022-12-05. Review status: criteria provided, single submitter. Criteria: GeneDx Variant Classification Process June 2021. Collection method: clinical testing. Allele origin: germline. Affected: yes.
Comment: Nonsense variant predicted to result in protein truncation or nonsense mediated decay in a gene for which loss of function is a known mechanism of disease; Not observed at significant frequency in large population cohorts (gnomAD); This variant is associated with the following publications: (PMID: 27824329, 33004838)